The following is an entry in ClinVar:

NM_003630.3(PEX3):c.197A>G (p.Asn66Ser)

Gene: PEX3 (peroxisomal biogenesis factor 3; plus strand). Cytogenetic location: 6q24.2.
Variant type: single nucleotide variant.
Coding change: c.197A>G on transcript NM_003630.3 (MANE Select); coding-DNA position 197, A replaced by G.
Protein change: p.Asn66Ser; replaces asparagine 66 with serine.
Molecular consequence: missense variant.
Genome position (GRCh38, 1-based): chr6:143,459,208, A>G. VCF-style: chr6-143459208-A-G. GRCh37 (hg19) VCF-style: chr6-143780345-A-G.
Other names: c.197A>G (NM_003630.2); short protein forms N66S.
Identifiers: ClinVar variation 1062107 (VCV001062107.7), dbSNP rs766080668, ClinGen allele CA4029474.

ClinVar aggregate classification (germline): Uncertain significance. Review status: criteria provided, multiple submitters, no conflicts (2 of 4 stars). 2 submissions from 2 submitters: Uncertain significance (2). Last evaluated 2025-08-21.

Conditions:
Inborn genetic diseases. Identifiers: MedGen C0950123, MeSH D030342.

Allele frequency attached by ClinVar (database versions not stated): gnomAD exomes below 0.00001 and 0.00001; ExAC 0.00001; TOPMed 0.00001; gnomAD 0.00002.

Submissions (2):

Ambry Genetics
Classification: Uncertain significance for Inborn genetic diseases. Last evaluated: 2025-08-21. Review status: criteria provided, single submitter. Criteria: Ambry Variant Classification Scheme 2023. Collection method: clinical testing. Allele origin: germline.

Labcorp Genetics (formerly Invitae), Labcorp
Classification: Uncertain significance. Last evaluated: 2022-04-23. Review status: criteria provided, single submitter. Criteria: Invitae Variant Classification Sherloc (09022015). Collection method: clinical testing. Allele origin: germline.
Comment: This sequence change replaces asparagine, which is neutral and polar, with serine, which is neutral and polar, at codon 66 of the PEX3 protein (p.Asn66Ser). This variant is present in population databases (rs766080668, gnomAD 0.01%). This variant has not been reported in the literature in individuals affected with PEX3-related conditions. ClinVar contains an entry for this variant (Variation ID: 1062107). Algorithms developed to predict the effect of missense changes on protein structure and function are either unavailable or do not agree on the potential impact of this missense change (SIFT: "Deleterious"; PolyPhen-2: "Possibly Damaging"; Align-GVGD: "Class C15"). Algorithms developed to predict the effect of sequence changes on RNA splicing suggest that this variant may create or strengthen a splice site. In summary, the available evidence is currently insufficient to determine the role of this variant in disease. Therefore, it has been classified as a Variant of Uncertain Significance.